The following is an entry in ClinVar:

ClinVar aggregate classification (germline): Uncertain significance (1 of 4 stars; one submission).

Submission:

Labcorp Genetics (formerly Invitae), Labcorp
Classification: Uncertain significance. Last evaluated: 2022-11-05. Review status: criteria provided, single submitter. Criteria: Invitae Variant Classification Sherloc (09022015). Collection method: clinical testing. Allele origin: germline.
Comment: In summary, the available evidence is currently insufficient to determine the role of this variant in disease. Therefore, it has been classified as a Variant of Uncertain Significance. This variant has not been reported in the literature in individuals affected with GUF1-related conditions. This variant is not present in population databases (gnomAD no frequency). This sequence change creates a premature translational stop signal (p.Phe504Leufs*14) in the GUF1 gene. It is expected to result in an absent or disrupted protein product. However, the current clinical and genetic evidence is not sufficient to establish whether loss-of-function variants in GUF1 cause disease.

NM_021927.3(GUF1):c.1512_1515del (p.Phe504fs)

Gene: GUF1 (GTP binding elongation factor GUF1; plus strand). Cytogenetic location: 4p12.
Variant type: Microsatellite.
Coding change: c.1512_1515del on transcript NM_021927.3 (MANE Select); coding-DNA positions 1512 to 1515, 4 bases deleted (TATT; older notation c.1512_1515delTATT).
Protein change: p.Phe504fs; shifts the reading frame from phenylalanine 504.
Molecular consequence: frameshift variant.
Genome position (GRCh38, 1-based): chr4:44,691,698-44,691,701, TATT deleted; deleting any 4 consecutive bases within chr4:44,691,694-44,691,701 gives the same sequence; the c. name uses the placement nearest the transcript's 3' end. VCF-style (leftmost placement, unchanged base first): chr4-44691693-ATATT-A. GRCh37 (hg19) VCF-style: chr4-44693710-ATATT-A.
Other names: c.540_543del, p.Phe180fs (NM_001345867.2, NM_001345869.2); c.1512_1515del, p.Phe504fs (NM_001345868.2); short protein forms F504fs, F180fs.
Identifiers: ClinVar variation 2812175 (VCV002812175.3), dbSNP rs868494980, ClinGen allele CA96522854.